The following is an entry in ClinVar:

NM_001719.3(BMP7):c.800G>A (p.Arg267Gln)

Gene: BMP7 (bone morphogenetic protein 7; minus strand). Cytogenetic location: 20q13.31.
Variant type: single nucleotide variant.
Coding change: c.800G>A on transcript NM_001719.3 (MANE Select); coding-DNA position 800, G replaced by A.
Protein change: p.Arg267Gln; replaces arginine 267 with glutamine.
Molecular consequence: missense variant.
Genome position (GRCh38, 1-based): chr20:57,183,880, C>T on the plus strand (G>A on the coding strand, the complement: BMP7 is on the minus strand). VCF-style: chr20-57183880-C-T. GRCh37 (hg19) VCF-style: chr20-55758936-C-T.
Other names: short protein forms R267Q.
Identifiers: ClinVar variation 3824680 (VCV003824680.2).

ClinVar aggregate classification (germline): Uncertain significance. Review status: criteria provided, multiple submitters, no conflicts (2 of 4 stars). 2 submissions from 2 submitters: Uncertain significance (2). Last evaluated 2025-09-03.

gnomAD v4.1: 166 of 1,614,092 alleles (0.01%); highest among the groups gnomAD compares: African/African-American, 0.12%; no homozygotes.

Submissions (2):

Labcorp Genetics (formerly Invitae), Labcorp
Classification: Uncertain significance. Last evaluated: 2025-09-03. Review status: criteria provided, single submitter. Criteria: Invitae Variant Classification Sherloc (09022015). Collection method: clinical testing. Allele origin: germline.
Comment: This sequence change replaces arginine, which is basic and polar, with glutamine, which is neutral and polar, at codon 267 of the BMP7 protein (p.Arg267Gln). This variant is present in population databases (rs143311015, gnomAD 0.1%), and has an allele count higher than expected for a pathogenic variant. This variant has not been reported in the literature in individuals affected with BMP7-related conditions. ClinVar contains an entry for this variant (Variation ID: 3824680). An algorithm developed to predict the effect of missense changes on protein structure and function (PolyPhen-2) suggests that this variant is likely to be tolerated. In summary, the available evidence is currently insufficient to determine the role of this variant in disease. Therefore, it has been classified as a Variant of Uncertain Significance.

Ambry Genetics
Classification: Uncertain significance. Last evaluated: 2025-02-04. Review status: criteria provided, single submitter. Criteria: Ambry Variant Classification Scheme 2023. Collection method: clinical testing. Allele origin: germline.